The following is an entry in ClinVar:

ClinVar aggregate classification (germline): Uncertain significance. Review status: criteria provided, multiple submitters, no conflicts (2 of 4 stars). 2 submissions from 2 submitters: Uncertain significance (2). Last evaluated 2025-11-10.

gnomAD v4.1: 72 of 1,530,232 alleles (0.0047%); highest among the groups gnomAD compares: Admixed American, 0.058%; no homozygotes.

Submissions (2):

Labcorp Genetics (formerly Invitae), Labcorp
Classification: Uncertain significance. Last evaluated: 2025-11-10. Review status: criteria provided, single submitter. Criteria: Invitae Variant Classification Sherloc (09022015). Collection method: clinical testing. Allele origin: germline.
Comment: This sequence change replaces glycine, which is neutral and non-polar, with serine, which is neutral and polar, at codon 323 of the APC2 protein (p.Gly323Ser). This variant is present in population databases (rs143870588, gnomAD 0.07%). This variant has not been reported in the literature in individuals affected with APC2-related conditions. ClinVar contains an entry for this variant (Variation ID: 1710665). Invitae Evidence Modeling of protein sequence and biophysical properties (such as structural, functional, and spatial information, amino acid conservation, physicochemical variation, residue mobility, and thermodynamic stability) indicates that this missense variant is expected to disrupt APC2 protein function with a positive predictive value of 80%. In summary, the available evidence is currently insufficient to determine the role of this variant in disease. Therefore, it has been classified as a Variant of Uncertain Significance.

GeneDx
Classification: Uncertain significance. Last evaluated: 2022-04-14. Review status: criteria provided, single submitter. Criteria: GeneDx Variant Classification Process June 2021. Collection method: clinical testing. Allele origin: germline. Affected: yes.
Comment: In silico analysis supports that this missense variant has a deleterious effect on protein structure/function; Has not been previously published as pathogenic or benign to our knowledge

NM_005883.3(APC2):c.967G>A (p.Gly323Ser)

Gene: APC2 (APC regulator of Wnt signaling pathway 2; plus strand). Cytogenetic location: 19p13.3.
Variant type: single nucleotide variant.
Coding change: c.967G>A on transcript NM_005883.3 (MANE Select); coding-DNA position 967, G replaced by A.
Protein change: p.Gly323Ser; replaces glycine 323 with serine.
Molecular consequence: missense variant.
Genome position (GRCh38, 1-based): chr19:1,457,003, G>A. VCF-style: chr19-1457003-G-A. GRCh37 (hg19) VCF-style: chr19-1457002-G-A.
Other names: c.964G>A, p.Gly322Ser (NM_001351273.1); short protein forms G322S, G323S.
Identifiers: ClinVar variation 1710665 (VCV001710665.6), dbSNP rs143870588, ClinGen allele CA9044936.
Genomic context (GRCh38, chr19:1,457,003, plus strand): 5'-GAGAGCTGCGTGGCCATGCGCCGCTCGGGCTGTCTGCCTCTGCTGCTGCAAATCCTCCAC[G>A]GCACCGAGGCCGCGGCCGGGGGTCGCGCCGGGGCCCCAGGGGCACCGGGCGCCAAGGACG-3'
Protein context (NP_005874.1, residues 313-333): CLPLLLQILH[Gly323Ser]TEAAAGGRAG